The following is an entry in ClinVar:

ClinVar aggregate classification (germline): Uncertain significance. Review status: criteria provided, multiple submitters, no conflicts (2 of 4 stars). 2 submissions from 2 submitters: Uncertain significance (2). Last evaluated 2025-07-14.

Conditions:
Perlman syndrome (PRLMNS). Identifiers: Orphanet 2849, MedGen C0796113, MONDO:0009965, OMIM 267000.

Submissions (2):

Labcorp Genetics (formerly Invitae), Labcorp
Classification: Uncertain significance for Perlman syndrome. Last evaluated: 2025-07-14. Review status: criteria provided, single submitter. Criteria: Invitae Variant Classification Sherloc (09022015). Collection method: clinical testing. Allele origin: germline.
Comment: This variant, c.2620_2622dup, results in the insertion of 1 amino acid(s) of the DIS3L2 protein (p.Glu874dup), but otherwise preserves the integrity of the reading frame. This variant is present in population databases (rs745307654, gnomAD 0.06%). This variant has not been reported in the literature in individuals affected with DIS3L2-related conditions. ClinVar contains an entry for this variant (Variation ID: 574702). Experimental studies and prediction algorithms are not available or were not evaluated, and the functional significance of this variant is currently unknown. In summary, the available evidence is currently insufficient to determine the role of this variant in disease. Therefore, it has been classified as a Variant of Uncertain Significance.

Fulgent Genetics
Classification: Uncertain significance for Perlman syndrome. Last evaluated: 2024-05-28. Review status: criteria provided, single submitter. Criteria: ACMG Guidelines, 2015. Collection method: clinical testing. Allele origin: germline.

NM_152383.5(DIS3L2):c.2611GAG[5] (p.Glu874dup)

Gene: DIS3L2 (DIS3 like 3'-5' exoribonuclease 2; plus strand). Cytogenetic location: 2q37.1.
Variant type: Microsatellite.
Coding change: c.2611GAG[5] on transcript NM_152383.5 (MANE Select); five copies in a row of the 3-base unit GAG starting at c.2611; the reference has four copies in a row; one copy, 3 bases duplicated; also written c.2620_2622dup.
Protein change: p.Glu874dup; duplicates glutamic acid 874.
Molecular consequence: inframe insertion. On other transcripts: non-coding transcript variant (2), intron variant (1).
Genome position (GRCh38, 1-based): chr2:232,336,592-232,336,594, GAG duplicated; duplicating any 3 consecutive bases within chr2:232,336,581-232,336,594 gives the same sequence; the position shown is the placement nearest the transcript's 3' end. VCF-style (leftmost placement, unchanged base first): chr2-232336580-A-AAGG. GRCh37 (hg19) VCF-style: chr2-233201290-A-AAGG.
Other names: c.2620_2622dupGAG (NM_152383.4); c.1582-6764AGG[5] (NM_001257281.2); c.2620_2622dup (NM_152383.5).
Identifiers: ClinVar variation 574702 (VCV000574702.10), dbSNP rs745307654, ClinGen allele CA2164630.